The following is an entry in ClinVar:

NM_213720.3(CHCHD10):c.262-7C>A

Gene: CHCHD10 (coiled-coil-helix-coiled-coil-helix domain containing 10; minus strand). Cytogenetic location: 22q11.23.
Variant type: single nucleotide variant.
Coding change: c.262-7C>A on transcript NM_213720.3 (MANE Select); 7 bases into the intron before coding-DNA position 262, C replaced by A.
Molecular consequence: intron variant. On other transcripts: nonsense (1).
Genome position (GRCh38, 1-based): chr22:23,766,282, G>T on the plus strand (C>A on the coding strand, the complement: CHCHD10 is on the minus strand). VCF-style: chr22-23766282-G-T. GRCh37 (hg19) VCF-style: chr22-24108469-G-T.
Other names: c.276C>A, p.Tyr92Ter (NM_001301339.2); short protein forms Y92*.
Identifiers: ClinVar variation 3750194 (VCV003750194.3).

ClinVar aggregate classification (germline): Uncertain significance. Review status: criteria provided, multiple submitters, no conflicts (2 of 4 stars). 2 submissions from 2 submitters: Uncertain significance (2). Last evaluated 2026-02-27.

Conditions:
Frontotemporal dementia and/or amyotrophic lateral sclerosis 2. Also called: FTDALS2. Identifiers: Orphanet 275872, MedGen C4014648, MONDO:0014395, OMIM 615911.
Lower motor neuron syndrome with late-adult onset (SMAJ). Also called: Spinal muscular atrophy, Jokela type; Late-Onset Spinal Motor Neuronopathy (SMAJ). Identifiers: Orphanet 276435, MedGen C3554398, MONDO:0014025, OMIM 615048.
Autosomal dominant mitochondrial myopathy with exercise intolerance (IMMD). Also called: Myopathy, isolated mitochondrial, autosomal dominant. Identifiers: Orphanet 457050, MedGen C4015513, MONDO:0014532, OMIM 616209.

gnomAD v4.1: 1 of 1,545,346 alleles (0.000065%); highest among the groups gnomAD compares: Non-Finnish European, 0.000087%; no homozygotes.

Submissions (2):

GeneDx
Classification: Uncertain significance. Last evaluated: 2026-02-27. Review status: criteria provided, single submitter. Criteria: GeneDx Variant Classification Process June 2021. Collection method: clinical testing. Allele origin: germline.
Comment: Not observed at significant frequency in large population cohorts (gnomAD); Has not been previously published as pathogenic or benign to our knowledge; Reported using an alternate transcript of the gene; Nonsense variant predicted to result in protein truncation or nonsense mediated decay in a gene or region of a gene for which loss-of-function is not an established mechanism of disease

Labcorp Genetics (formerly Invitae), Labcorp
Classification: Uncertain significance for Lower motor neuron syndrome with late-adult onset; Frontotemporal dementia and/or amyotrophic lateral sclerosis 2; Autosomal dominant mitochondrial myopathy with exercise intolerance. Last evaluated: 2024-11-07. Review status: criteria provided, single submitter. Criteria: Invitae Variant Classification Sherloc (09022015). Collection method: clinical testing. Allele origin: germline.
Comment: This sequence change falls in intron 2 of the CHCHD10 gene. It does not directly change the encoded amino acid sequence of the CHCHD10 protein. This variant is not present in population databases (gnomAD no frequency). This variant has not been reported in the literature in individuals affected with CHCHD10-related conditions. Algorithms developed to predict the effect of sequence changes on RNA splicing suggest that this variant may disrupt the consensus splice site. In summary, the available evidence is currently insufficient to determine the role of this variant in disease. Therefore, it has been classified as a Variant of Uncertain Significance.